The following is an entry in ClinVar:

ClinVar aggregate classification (germline): Benign. Review status: criteria provided, multiple submitters, no conflicts (2 of 4 stars). 2 submissions from 2 submitters: Benign (2). Last evaluated 2018-01-13.

Conditions:
Retinitis pigmentosa (RP). Identifiers: Orphanet 791, MedGen C0035334, MeSH D012174, MONDO:0019200, OMIM 268000. Inheritance: Autosomal dominant, autosomal recessive and X linked inheritance.

Allele frequency attached by ClinVar (database versions not stated): gnomAD 0.99135; 1000 Genomes Project 30x 0.98252; 1000 Genomes Project 0.98358; TOPMed 0.98892.

Submissions (2):

Illumina Laboratory Services, Illumina
Classification: Benign for Retinitis pigmentosa. Last evaluated: 2018-01-13. Review status: criteria provided, single submitter. Criteria: ICSL Variant Classification Criteria 13 December 2019. Collection method: clinical testing. Allele origin: germline.
Comment: This variant was observed in the ICSL laboratory as part of a predisposition screen in an ostensibly healthy population. It had not been previously curated by ICSL or reported in the Human Gene Mutation Database (HGMD: prior to June 1st, 2018), and was therefore a candidate for classification through an automated scoring system. Utilizing variant allele frequency, disease prevalence and penetrance estimates, and inheritance mode, an automated score was calculated to assess if this variant is too frequent to cause the disease. Based on the score and internal cut-off values, a variant classified as benign is not then subjected to further curation. The score for this variant resulted in a classification of benign for this disease.

Breakthrough Genomics
Classification: Benign. Review status: criteria provided, single submitter. Criteria: ACMG Guidelines, 2015. Collection method: not provided. Allele origin: germline. Inheritance: X-linked inheritance. Affected: yes.

NM_006915.3(RP2):c.*828G>A

Gene: RP2 (RP2 activator of ARL3 GTPase; plus strand). Cytogenetic location: Xp11.3.
Variant type: single nucleotide variant.
Coding change: c.*828G>A on transcript NM_006915.3 (MANE Select); 828 bases downstream of the stop codon, G replaced by A.
Molecular consequence: 3 prime UTR variant.
Genome position (GRCh38, 1-based): chrX:46,880,597, G>A. VCF-style: chrX-46880597-G-A. GRCh37 (hg19) VCF-style: chrX-46740032-G-A.
Identifiers: ClinVar variation 368312 (VCV000368312.6), dbSNP rs4239962, ClinGen allele CA10654322.